The following is an entry in ClinVar:

NM_000138.5(FBN1):c.8203G>C (p.Glu2735Gln)

Gene: FBN1 (fibrillin 1; minus strand). Cytogenetic location: 15q21.1.
Variant type: single nucleotide variant.
Coding change: c.8203G>C on transcript NM_000138.5 (MANE Select); coding-DNA position 8203, G replaced by C.
Protein change: p.Glu2735Gln; replaces glutamic acid 2735 with glutamine.
Molecular consequence: missense variant.
Genome position (GRCh38, 1-based): chr15:48,412,592, C>G on the plus strand (G>C on the coding strand, the complement: FBN1 is on the minus strand). VCF-style: chr15-48412592-C-G. GRCh37 (hg19) VCF-style: chr15-48704789-C-G.
Other names: c.8203G>C, p.Glu2735Gln (NM_001406716.1); short protein forms E2735Q.
Identifiers: ClinVar variation 3075234 (VCV003075234.1), dbSNP rs756124960, ClinGen allele CA392320729.

ClinVar aggregate classification (germline): Uncertain significance (1 of 4 stars; one submission).

Conditions:
Marfan syndrome (MFS). Also called: MARFAN SYNDROME, TYPE I; Marfan syndrome type 1; Marfan's syndrome; Marfan syndrome, classic; FBN1-Related Marfan Syndrome. Identifiers: Orphanet 284963, Orphanet 558, MedGen C0024796, MONDO:0007947, OMIM 154700.

Submission:

All of Us Research Program, National Institutes of Health
Classification: Uncertain significance for Marfan syndrome. Last evaluated: 2024-01-08. Review status: criteria provided, single submitter. Criteria: ACMG Guidelines, 2015. Collection method: clinical testing. Allele origin: germline. Inheritance: Autosomal dominant inheritance. Observed: 1 variant allele, 1 heterozygote.
Comment: This missense variant replaces glutamic acid with glutamine at codon 2735 of the FBN1 protein. Computational prediction suggests that this variant may not impact protein structure and function (internally defined REVEL score threshold <= 0.5, PMID: 27666373). To our knowledge, functional studies have not been reported for this variant. This variant has not been reported in individuals affected with FBN1-related disorders in the literature. This variant has not been identified in the general population by the Genome Aggregation Database (gnomAD). The available evidence is insufficient to determine the role of this variant in disease conclusively. Therefore, this variant is classified as a Variant of Uncertain Significance.

This study involves interpretation of variants in research participants for the purpose of population health screening. Participant phenotype was not available at the time of variant classification. Additional details can be found in publication PMID: 35346344, PMCID: PMC8962531